The following is an entry in ClinVar:

ClinVar aggregate classification (germline): Uncertain significance (1 of 4 stars; one submission).

Conditions:
Charcot-Marie-Tooth disease type 2E (CMT2E). Also called: CHARCOT-MARIE-TOOTH DISEASE, AXONAL, TYPE 2E; CHARCOT-MARIE-TOOTH NEUROPATHY, TYPE 2E. Identifiers: Orphanet 99939, MedGen C1843225, MONDO:0011894, OMIM 607684.

Allele frequency attached by ClinVar (database versions not stated): gnomAD exomes 0.00001.
gnomAD v4.1: 5 of 1,611,794 alleles (0.00031%); highest among the groups gnomAD compares: Non-Finnish European, 0.00042%; no homozygotes.

Submission:

Labcorp Genetics (formerly Invitae), Labcorp
Classification: Uncertain significance for Charcot-Marie-Tooth disease type 2E. Last evaluated: 2024-06-03. Review status: criteria provided, single submitter. Criteria: Invitae Variant Classification Sherloc (09022015). Collection method: clinical testing. Allele origin: germline.
Comment: This sequence change replaces alanine, which is neutral and non-polar, with threonine, which is neutral and polar, at codon 505 of the NEFL protein (p.Ala505Thr). This variant is not present in population databases (gnomAD no frequency). This variant has not been reported in the literature in individuals affected with NEFL-related conditions. ClinVar contains an entry for this variant (Variation ID: 412303). Algorithms developed to predict the effect of missense changes on protein structure and function output the following: SIFT: "Not Available"; PolyPhen-2: "Not Available"; Align-GVGD: "Not Available". The threonine amino acid residue is found in multiple mammalian species, which suggests that this missense change does not adversely affect protein function. In summary, the available evidence is currently insufficient to determine the role of this variant in disease. Therefore, it has been classified as a Variant of Uncertain Significance.

NM_006158.5(NEFL):c.1513G>A (p.Ala505Thr)

Gene: NEFL (neurofilament light chain; minus strand). Cytogenetic location: 8p21.2.
Variant type: single nucleotide variant.
Coding change: c.1513G>A on transcript NM_006158.5 (MANE Select); coding-DNA position 1513, G replaced by A.
Protein change: p.Ala505Thr; replaces alanine 505 with threonine.
Molecular consequence: missense variant.
Genome position (GRCh38, 1-based): chr8:24,952,929, C>T on the plus strand (G>A on the coding strand, the complement: NEFL is on the minus strand). VCF-style: chr8-24952929-C-T. GRCh37 (hg19) VCF-style: chr8-24810442-C-T.
Other names: short protein forms A505T.
Identifiers: ClinVar variation 412303 (VCV000412303.9), dbSNP rs1060503694, ClinGen allele CA16612436.
Genomic context (GRCh38, chr8:24,952,929, plus strand): 5'-CTTCAGCTTCTTTGGTTTCCTCTCCTTCTTCACCTTCACCTCCTTCTTCTTCTTCTTTTG[C>T]TTCTTCAGACTCTTCCTTGGCAGCTTTAACATAAAAAGAAAATGTACAAAATGCAAATCC-3'
Protein context (NP_006149.2, residues 495-515): EEAAKEESEE[Ala505Thr]KEEEEGGEGE